The following is an entry in ClinVar:

ClinVar aggregate classification (germline): Uncertain significance. Review status: criteria provided, multiple submitters, no conflicts (2 of 4 stars). 2 submissions from 2 submitters: Uncertain significance (2). Last evaluated 2023-12-04.

Conditions:
Hereditary cancer-predisposing syndrome. Also called: Neoplastic Syndromes, Hereditary; Tumor predisposition; Hereditary neoplastic syndrome; Hereditary Cancer Syndrome. Identifiers: Orphanet 140162, MedGen C0027672, MeSH D009386, MONDO:0015356.

Submissions (2):

Color Diagnostics, LLC DBA Color Health
Classification: Uncertain significance for Hereditary cancer-predisposing syndrome. Last evaluated: 2023-12-04. Review status: criteria provided, single submitter. Criteria: ACMG Guidelines, 2015. Collection method: clinical testing. Allele origin: germline.
Comment: This missense variant replaces serine with leucine at codon 245 of the APC protein. Computational prediction suggests that this variant may not impact protein structure and function (internally defined REVEL score threshold <= 0.5, PMID: 27666373). To our knowledge, functional studies have not been reported for this variant. This variant has not been reported in individuals affected with APC-related disorders in the literature. This variant has not been identified in the general population by the Genome Aggregation Database (gnomAD). The available evidence is insufficient to determine the role of this variant in disease conclusively. Therefore, this variant is classified as a Variant of Uncertain Significance.

Ambry Genetics
Classification: Uncertain significance for Hereditary cancer-predisposing syndrome. Last evaluated: 2017-11-06. Review status: criteria provided, single submitter. Criteria: Ambry Variant Classification Scheme 2023. Collection method: clinical testing. Allele origin: germline.
Comment: The p.S245L variant (also known as c.734C>T), located in coding exon 7 of the APC gene, results from a C to T substitution at nucleotide position 734. The serine at codon 245 is replaced by leucine, an amino acid with dissimilar properties. This amino acid position is not well conserved in available vertebrate species. In addition, in silico predictors for this gene do not accurately predict pathogenicity. Since supporting evidence is limited at this time, the clinical significance of this alteration remains unclear.

NM_000038.6(APC):c.734C>T (p.Ser245Leu)

Gene: APC (APC regulator of Wnt signaling pathway; plus strand). Cytogenetic location: 5q22.2.
Variant type: single nucleotide variant.
Coding change: c.734C>T on transcript NM_000038.6 (MANE Select); coding-DNA position 734, C replaced by T.
Protein change: p.Ser245Leu; replaces serine 245 with leucine.
Molecular consequence: missense variant. On other transcripts: 5 prime UTR variant (1).
Genome position (GRCh38, 1-based): chr5:112,801,283, C>T. VCF-style: chr5-112801283-C-T. GRCh37 (hg19) VCF-style: chr5-112136980-C-T.
Other names: c.734C>T, p.Ser245Leu (NM_001127510.3, NM_001354895.2, NM_001354896.2 and 1 more transcripts); c.680C>T, p.Ser227Leu (NM_001127511.3); c.764C>T, p.Ser255Leu (NM_001354897.2, NM_001354902.2); c.659C>T, p.Ser220Leu (NM_001354898.2, NM_001354904.2); c.650C>T, p.Ser217Leu (NM_001354899.2); c.557C>T, p.Ser186Leu (NM_001354900.2, NM_001354901.2, NM_001354905.2); c.-302C>T (NM_001354906.2); short protein forms S227L, S245L, S186L, S220L, S255L, S217L.
Identifiers: ClinVar variation 629355 (VCV000629355.7), dbSNP rs1554076133, ClinGen allele CA16022938.